The following is an entry in ClinVar:

NM_001130144.3(LTBP3):c.160G>A (p.Gly54Ser)

Gene: LTBP3 (latent transforming growth factor beta binding protein 3; minus strand). Cytogenetic location: 11q13.1.
Variant type: single nucleotide variant.
Coding change: c.160G>A on transcript NM_001130144.3 (MANE Select); coding-DNA position 160, G replaced by A.
Protein change: p.Gly54Ser; replaces glycine 54 with serine.
Molecular consequence: missense variant. On other transcripts: 5 prime UTR variant (1).
Genome position (GRCh38, 1-based): chr11:65,557,800, C>T on the plus strand (G>A on the coding strand, the complement: LTBP3 is on the minus strand). VCF-style: chr11-65557800-C-T. GRCh37 (hg19) VCF-style: chr11-65325271-C-T.
Other names: c.-188G>A (NM_001164266.1); c.160G>A, p.Gly54Ser (NM_021070.4); short protein forms G54S.
Identifiers: ClinVar variation 1524864 (VCV001524864.10), dbSNP rs368975107, ClinGen allele CA6101285.

ClinVar aggregate classification (germline): Uncertain significance. Review status: criteria provided, multiple submitters, no conflicts (2 of 4 stars). 2 submissions from 2 submitters: Uncertain significance (2). Last evaluated 2025-10-31.

Conditions:
Inborn genetic diseases. Identifiers: MedGen C0950123, MeSH D030342.
Brachyolmia-amelogenesis imperfecta syndrome. Also called: Tooth agenesis, selective, 6; Dental anomalies and short stature; PLATYSPONDYLY WITH AMELOGENESIS IMPERFECTA. Identifiers: Orphanet 2899, MedGen C1832594, MONDO:0011018, OMIM 601216. Disease mechanism: loss of function.

Allele frequency attached by ClinVar (database versions not stated): ExAC 0.00001; gnomAD 0.00001; gnomAD exomes 0.00001 and 0.00002; TOPMed 0.00003; ESP Exome Variant Server 0.00008.
gnomAD v4.1: 11 of 1,561,912 alleles (0.0007%); highest among the groups gnomAD compares: Non-Finnish European, 0.00086%; no homozygotes.

Submissions (2):

Labcorp Genetics (formerly Invitae), Labcorp
Classification: Uncertain significance for Brachyolmia-amelogenesis imperfecta syndrome. Last evaluated: 2025-10-31. Review status: criteria provided, single submitter. Criteria: Invitae Variant Classification Sherloc (09022015). Collection method: clinical testing. Allele origin: germline.
Comment: This sequence change replaces glycine, which is neutral and non-polar, with serine, which is neutral and polar, at codon 54 of the LTBP3 protein (p.Gly54Ser). This variant is present in population databases (rs368975107, gnomAD 0.004%). This variant has not been reported in the literature in individuals affected with LTBP3-related conditions. ClinVar contains an entry for this variant (Variation ID: 1524864). Experimental studies and prediction algorithms are not available or were not evaluated, and the functional significance of this variant is currently unknown. In summary, the available evidence is currently insufficient to determine the role of this variant in disease. Therefore, it has been classified as a Variant of Uncertain Significance.

Ambry Genetics
Classification: Uncertain significance for Inborn genetic diseases. Last evaluated: 2025-08-28. Review status: criteria provided, single submitter. Criteria: Ambry Variant Classification Scheme 2023. Collection method: clinical testing. Allele origin: germline.
Comment: The p.G54S variant (also known as c.160G>A), located in coding exon 1 of the LTBP3 gene, results from a G to A substitution at nucleotide position 160. The glycine at codon 54 is replaced by serine, an amino acid with similar properties. This amino acid position is conserved. In addition, this alteration is predicted to be tolerated by in silico analysis. Since supporting evidence is limited at this time, the clinical significance of this alteration remains unclear.